The following is an entry in ClinVar:

ClinVar aggregate classification (germline): Uncertain significance. Review status: criteria provided, multiple submitters, no conflicts (2 of 4 stars). 4 submissions from 4 submitters: Uncertain significance (3). 1 of the submissions does not count toward it. Last evaluated 2026-06-04.

Conditions:
KMT2D-related disorder. Also called: KMT2D-Related Disorders.
Kabuki syndrome. Also called: NIIKAWA-KUROKI SYNDROME; Kabuki make-up syndrome. Identifiers: Orphanet 2322, MedGen C0796004, MONDO:0016512.
Inborn genetic diseases. Identifiers: MedGen C0950123, MeSH D030342.

Allele frequency attached by ClinVar (database versions not stated): gnomAD exomes 0.00001; gnomAD 0.00003; TOPMed 0.00006.
gnomAD v4.1: 10 of 1,579,968 alleles (0.00063%); highest among the groups gnomAD compares: African/African-American, 0.0067%; no homozygotes.

Submissions (4):

Ambry Genetics
Classification: Uncertain significance for Inborn genetic diseases. Last evaluated: 2026-06-04. Review status: criteria provided, single submitter. Criteria: Ambry Variant Classification Scheme 2023. Collection method: clinical testing. Allele origin: germline.

PreventionGenetics, part of Exact Sciences
Classification: Uncertain significance for KMT2D-related condition. Last evaluated: 2025-11-24. Review status: criteria provided, single submitter. Criteria: ACMG Guidelines, 2015. Collection method: clinical testing. Allele origin: germline.
Comment: The KMT2D c.3902A>G variant is predicted to result in the amino acid substitution p.Lys1301Arg. To our knowledge, this variant has not been reported in the literature or in a large population database (gnomAD), indicating this variant is rare. At this time, the clinical significance of this variant is uncertain due to the absence of conclusive functional and genetic evidence.

Labcorp Genetics (formerly Invitae), Labcorp
Classification: Uncertain significance for Kabuki syndrome. Last evaluated: 2022-12-22. Review status: criteria provided, single submitter. Criteria: Invitae Variant Classification Sherloc (09022015). Collection method: clinical testing. Allele origin: germline.
Comment: This variant has not been reported in the literature in individuals affected with KMT2D-related conditions. In summary, the available evidence is currently insufficient to determine the role of this variant in disease. Therefore, it has been classified as a Variant of Uncertain Significance. Advanced modeling of protein sequence and biophysical properties (such as structural, functional, and spatial information, amino acid conservation, physicochemical variation, residue mobility, and thermodynamic stability) performed at Invitae indicates that this missense variant is expected to disrupt KMT2D protein function. ClinVar contains an entry for this variant (Variation ID: 134671). This missense change has been observed in at least one individual who was not affected with KMT2D-related conditions (Invitae). This variant is not present in population databases (gnomAD no frequency). This sequence change replaces lysine, which is basic and polar, with arginine, which is basic and polar, at codon 1301 of the KMT2D protein (p.Lys1301Arg).

ITMI
No classification provided. Condition: AllHighlyPenetrant. Last evaluated: 2013-09-19. Review status: no classification provided. Collection method: reference population. Allele origin: germline. Not counted in ClinVar's aggregate classification.
Comment: Please see associated publication for description of ethnicities

Literature cited by the submitters: PubMed 24728327 (cited by ITMI).

NM_003482.4(KMT2D):c.3902A>G (p.Lys1301Arg)

Genes: KMT2D (lysine methyltransferase 2D; minus strand), LOC126861520 (CDK7 strongly-dependent group 2 enhancer GRCh37_chr12:49442744-49443943; plus strand). Cytogenetic location: 12q13.12.
Variant type: single nucleotide variant.
Coding change: c.3902A>G on transcript NM_003482.4 (MANE Select); coding-DNA position 3902, A replaced by G.
Protein change: p.Lys1301Arg; replaces lysine 1301 with arginine.
Molecular consequence: missense variant.
Genome position (GRCh38, 1-based): chr12:49,049,686, T>C on the plus strand (A>G on the coding strand, the complement: KMT2D is on the minus strand). VCF-style: chr12-49049686-T-C. GRCh37 (hg19) VCF-style: chr12-49443469-T-C.
Other names: c.3902A>G (NM_003482.3); short protein forms K1301R.
Identifiers: ClinVar variation 134671 (VCV000134671.8), dbSNP rs587778455, ClinGen allele CA160505.
Genomic context (GRCh38, chr12:49,049,686, plus strand): 5'-GTACCTCTGACAGTGGGCTAACTCTAATCACATCCCGCAGCTAGATAGCCCCTCACCTGT[T>C]TGATGCGGGAACGGGCTGGGGAGCTGCGCCGCCGCCCCTTCTCCCCCTCAGCTTTGCCTC-3'
Protein context (NP_003473.3, residues 1291-1311): RRSSPARSRI[Lys1301Arg]QGRSSSFPGR